The following is an entry in ClinVar:

NM_001018005.2(TPM1):c.612G>C (p.Leu204Phe)

Gene: TPM1 (tropomyosin 1; plus strand). Cytogenetic location: 15q22.2.
Variant type: single nucleotide variant.
Coding change: c.612G>C on transcript NM_001018005.2 (MANE Select); coding-DNA position 612, G replaced by C.
Protein change: p.Leu204Phe; replaces leucine 204 with phenylalanine.
Molecular consequence: missense variant. On other transcripts: intron variant (21), non-coding transcript variant (16).
Genome position (GRCh38, 1-based): chr15:63,061,761, G>C. VCF-style: chr15-63061761-G-C. GRCh37 (hg19) VCF-style: chr15-63353960-G-C.
Other names: c.532-454G>C (NM_001365781.2, NM_001407344.1, NM_001407342.1 and 3 more transcripts); c.640-454G>C (NM_001407329.1, NM_000366.6, NM_001407331.1 and 10 more transcripts); c.612G>C, p.Leu204Phe (NM_001018004.2, NM_001018007.2, NM_001301244.2 and 7 more transcripts); c.504G>C, p.Leu168Phe (NM_001018008.2, NM_001301289.2, NM_001330346.2 and 3 more transcripts); c.738G>C, p.Leu246Phe (NM_001365778.1, NM_001407324.1); c.766-454G>C (NM_001407323.1, NM_001407322.1); short protein forms L246F, L168F, L204F.
Identifiers: ClinVar variation 3643220 (VCV003643220.3).

ClinVar aggregate classification (germline): Uncertain significance. Review status: criteria provided, multiple submitters, no conflicts (2 of 4 stars). 2 submissions from 2 submitters: Uncertain significance (2). Last evaluated 2025-12-22.

Conditions:
Cardiomyopathy (CMYO). Also called: Cardiomyopathies. Identifiers: Orphanet 167848, MedGen C0878544, MONDO:0004994, HP:0001638. Inheritance: Various modes of inheritance.
Hypertrophic cardiomyopathy. Also called: HYPERTROPHIC MYOCARDIOPATHY. Identifiers: Orphanet 217569, MedGen C0007194, MeSH D002312, MONDO:0005045, HP:0001639.

Submissions (2):

Labcorp Genetics (formerly Invitae), Labcorp
Classification: Uncertain significance for Hypertrophic cardiomyopathy. Last evaluated: 2025-12-22. Review status: criteria provided, single submitter. Criteria: Invitae Variant Classification Sherloc (09022015). Collection method: clinical testing. Allele origin: germline.
Comment: This sequence change replaces leucine, which is neutral and non-polar, with phenylalanine, which is neutral and non-polar, at codon 204 of the TPM1 protein (p.Leu204Phe). This variant is not present in population databases (gnomAD no frequency). This variant has not been reported in the literature in individuals affected with TPM1-related conditions. ClinVar contains an entry for this variant (Variation ID: 3643220). An algorithm developed to predict the effect of missense changes on protein structure and function (PolyPhen-2) suggests that this variant is likely to be disruptive. In summary, the available evidence is currently insufficient to determine the role of this variant in disease. Therefore, it has been classified as a Variant of Uncertain Significance.

Color Diagnostics, LLC DBA Color Health
Classification: Uncertain significance for Cardiomyopathy. Last evaluated: 2025-03-31. Review status: criteria provided, single submitter. Criteria: ACMG Guidelines, 2015. Collection method: clinical testing. Allele origin: germline.
Comment: This missense variant replaces leucine with phenylalanine at codon 204 of the TPM1 protein. Computational prediction suggests that this variant may have deleterious impact on protein structure and function (internally defined REVEL score threshold >= 0.7, PMID: 27666373). To our knowledge, functional studies have not been reported for this variant. This variant has not been reported in individuals affected with TPM1-related disorders in the literature. This variant has not been identified in the general population by the Genome Aggregation Database (gnomAD). The available evidence is insufficient to determine the role of this variant in disease conclusively. Therefore, this variant is classified as a Variant of Uncertain Significance.